The following is an entry in ClinVar:

ClinVar aggregate classification (germline): Likely benign. Review status: criteria provided, multiple submitters, no conflicts (2 of 4 stars). 3 submissions from 3 submitters: Likely benign (2). 1 of the submissions does not count toward it. Last evaluated 2022-03-08.

Conditions:
Congenital contractural arachnodactyly (CCA). Also called: BEALS SYNDROME; Arthrogryposis, distal, type 9; Beals-Hecht syndrome. Identifiers: Orphanet 115, MedGen C0220668, MONDO:0007363, OMIM 121050.
FBN2-related disorder. Also called: FBN2-related condition.

Allele frequency attached by ClinVar (database versions not stated): gnomAD exomes below 0.00001; TOPMed below 0.00001.
gnomAD v4.1: 5 of 1,609,266 alleles (0.00031%); highest among the groups gnomAD compares: East Asian, 0.0022%; no homozygotes.

Submissions (3):

Labcorp Genetics (formerly Invitae), Labcorp
Classification: Likely benign for Congenital contractural arachnodactyly. Last evaluated: 2022-03-08. Review status: criteria provided, single submitter. Criteria: Invitae Variant Classification Sherloc (09022015). Collection method: clinical testing. Allele origin: germline.

GeneDx
Classification: Likely benign. Last evaluated: 2018-04-11. Review status: criteria provided, single submitter. Criteria: GeneDx Variant Classification (06012015). Collection method: clinical testing. Allele origin: germline. Affected: yes.
Comment: This variant is considered likely benign or benign based on one or more of the following criteria: it is a conservative change, it occurs at a poorly conserved position in the protein, it is predicted to be benign by multiple in silico algorithms, and/or has population frequency not consistent with disease.

PreventionGenetics, part of Exact Sciences
Classification: Likely benign for FBN2-related condition. Last evaluated: 2021-05-07. Review status: no assertion criteria provided. Collection method: clinical testing. Allele origin: germline. Not counted in ClinVar's aggregate classification.
Comment: This variant is classified as likely benign based on ACMG/AMP sequence variant interpretation guidelines (Richards et al. 2015 PMID: 25741868, with internal and published modifications).

NM_001999.4(FBN2):c.2990-7G>C

Genes: FBN2 (fibrillin 2; minus strand), LOC126807501 (BRD4-independent group 4 enhancer GRCh37_chr5:127680731-127681930; plus strand). Cytogenetic location: 5q23.3.
Variant type: single nucleotide variant.
Coding change: c.2990-7G>C on transcript NM_001999.4 (MANE Select); 7 bases into the intron before coding-DNA position 2990, G replaced by C.
Molecular consequence: intron variant.
Genome position (GRCh38, 1-based): chr5:128,345,591, C>G on the plus strand (G>C on the coding strand, the complement: FBN2 is on the minus strand). VCF-style: chr5-128345591-C-G. GRCh37 (hg19) VCF-style: chr5-127681283-C-G.
Identifiers: ClinVar variation 681791 (VCV000681791.8), dbSNP rs1245936560, ClinGen allele CA562717120.